The following is an entry in ClinVar:

NM_025215.6(PUS1):c.75-20C>T

Genes: PUS1 (pseudouridine synthase 1; plus strand), LOC130009240 (ATAC-STARR-seq lymphoblastoid silent region 5107; plus strand). Cytogenetic location: 12q24.33.
Variant type: single nucleotide variant.
Coding change: c.75-20C>T on transcript NM_025215.6 (MANE Select); 20 bases into the intron before coding-DNA position 75, C replaced by T.
Molecular consequence: intron variant.
Genome position (GRCh38, 1-based): chr12:131,929,887, C>T. VCF-style: chr12-131929887-C-T. GRCh37 (hg19) VCF-style: chr12-132414432-C-T.
Other names: c.-10-20C>T (NM_001002019.3, NM_001002020.3).
Identifiers: ClinVar variation 215029 (VCV000215029.11), dbSNP rs557913555, ClinGen allele CA324229.
Genomic context (GRCh38, chr12:131,929,887, plus strand): 5'-ATGCCCGCCCAGCCCAGCCCACCCCAGTCCACCCCGCGCGGTGCCGAGCGGGCCCCCGCT[C>T]ACGCCGCCCTTCTCCGCAGCTCGCCGCGCATGGCCGGGAACGCGGAGCCGCCGCCCGCCG-3'

ClinVar aggregate classification (germline): Benign/Likely benign. Review status: criteria provided, multiple submitters, no conflicts (2 of 4 stars). 4 submissions from 4 submitters: Benign (3); Likely benign (1). Last evaluated 2026-02-01.

Allele frequency attached by ClinVar (database versions not stated): ExAC 0.00041; gnomAD exomes 0.00060; gnomAD 0.00181 and 0.00187; TOPMed 0.00215; 1000 Genomes Project 0.00220; 1000 Genomes Project 30x 0.00250.
gnomAD v4.1: 627 of 1,463,666 alleles (0.043%); highest among the groups gnomAD compares: African/African-American, 0.57%; 3 homozygotes.

Submissions (4):

Labcorp Genetics (formerly Invitae), Labcorp
Classification: Benign. Last evaluated: 2026-02-01. Review status: criteria provided, single submitter. Criteria: Invitae Variant Classification Sherloc (09022015). Collection method: clinical testing. Allele origin: germline.

Blueprint Genetics
Classification: Likely benign. Last evaluated: 2024-09-23. Review status: criteria provided, single submitter. Criteria: ACMG Guidelines, 2015. Collection method: clinical testing. Allele origin: germline.

GeneDx
Classification: Benign. Last evaluated: 2014-06-12. Review status: criteria provided, single submitter. Criteria: GeneDx Variant Classification (06012015). Collection method: clinical testing. Allele origin: germline. Affected: yes.
Comment: This variant is considered likely benign or benign based on one or more of the following criteria: it is a conservative change, it occurs at a poorly conserved position in the protein, it is predicted to be benign by multiple in silico algorithms, and/or has population frequency not consistent with disease.

Breakthrough Genomics
Classification: Benign. Review status: criteria provided, single submitter. Criteria: ACMG Guidelines, 2015. Collection method: not provided. Allele origin: germline. Inheritance: Autosomal recessive inheritance. Affected: yes.